The following is an entry in ClinVar:

NM_001256627.2(BRSK2):c.963C>T (p.Asp321=)

Gene: BRSK2 (BR serine/threonine kinase 2; plus strand). Cytogenetic location: 11p15.5.
Variant type: single nucleotide variant.
Coding change: c.963C>T on transcript NM_001256627.2 (MANE Select); coding-DNA position 963, C replaced by T.
Protein change: p.Asp321=; no amino-acid change (aspartic acid 321 retained).
Molecular consequence: synonymous variant. On other transcripts: non-coding transcript variant (1).
Genome position (GRCh38, 1-based): chr11:1,445,444, C>T. VCF-style: chr11-1445444-C-T. GRCh37 (hg19) VCF-style: chr11-1466674-C-T.
Other names: c.963C>T, p.Asp321= (NM_001256629.2, NM_001440665.1, NM_001440666.1 and 3 more transcripts); c.1101C>T, p.Asp367= (NM_001256630.1, NM_001440667.1); c.783C>T, p.Asp261= (NM_001282218.2, NM_001440669.1, NM_001440671.1 and 5 more transcripts).
Identifiers: ClinVar variation 4872284 (VCV004872284.2).

ClinVar aggregate classification (germline): Likely benign (1 of 4 stars; one submission).

gnomAD v4.1: 3 of 1,611,850 alleles (0.00019%); highest among the groups gnomAD compares: Middle Eastern, 0.017%; no homozygotes.

Submission:

CeGaT Center for Human Genetics Tuebingen
Classification: Likely benign. Last evaluated: 2026-04-01. Review status: criteria provided, single submitter. Criteria: CeGaT Center For Human Genetics Tuebingen Variant Classification Criteria Version 2. Collection method: clinical testing. Allele origin: germline. Affected: yes. Observed: 1 variant allele.
Comment: BRSK2: BP4, BP7